The following is an entry in ClinVar:

ClinVar aggregate classification (germline): Uncertain significance (0 of 4 stars; one submission).

Conditions:
PLCG1-related disorder. Also called: PLCG1-related condition.

gnomAD v4.1: 37 of 1,614,112 alleles (0.0023%); highest among the groups gnomAD compares: Non-Finnish European, 0.0026%; no homozygotes.

Submission:

PreventionGenetics, part of Exact Sciences
Classification: Uncertain significance for PLCG1-related condition. Last evaluated: 2024-09-10. Review status: no assertion criteria provided. Collection method: clinical testing. Allele origin: germline.
Comment: The PLCG1 c.2978A>G variant is predicted to result in the amino acid substitution p.Asn993Ser. To our knowledge, this variant has not been reported in the literature. This variant is reported in 0.015% of alleles in individuals of European (Non-Finnish) descent in gnomAD. Although we suspect that this variant is benign, at this time, the clinical significance of this variant is uncertain due to the absence of conclusive functional and genetic evidence.

NM_002660.3(PLCG1):c.2978A>G (p.Asn993Ser)

Gene: PLCG1 (phospholipase C gamma 1; plus strand). Cytogenetic location: 20q12.
Variant type: single nucleotide variant.
Coding change: c.2978A>G on transcript NM_002660.3 (MANE Select); coding-DNA position 2978, A replaced by G.
Protein change: p.Asn993Ser; replaces asparagine 993 with serine.
Molecular consequence: missense variant.
Genome position (GRCh38, 1-based): chr20:41,172,493, A>G. VCF-style: chr20-41172493-A-G. GRCh37 (hg19) VCF-style: chr20-39801133-A-G.
Other names: c.2978A>G, p.Asn993Ser (NM_182811.2); short protein forms N993S.
Identifiers: ClinVar variation 3350701 (VCV003350701.1).
Genomic context (GRCh38, chr20:41,172,493, plus strand): 5'-AACGTGCTTGCTACCGGGACATGTCATCCTTCCCGGAAACCAAGGCTGAGAAATACGTGA[A>G]CAAGGCCAAAGGCAAGAAGTTCCTTCAGTACAATCGACTGCAGCTCTCCCGCATCTACCC-3'
Protein context (NP_002651.2, residues 983-1003): FPETKAEKYV[Asn993Ser]KAKGKKFLQY